The following is an entry in ClinVar:

ClinVar aggregate classification (germline): Uncertain significance. Review status: criteria provided, multiple submitters, no conflicts (2 of 4 stars). 4 submissions from 4 submitters: Uncertain significance (2). 2 of the submissions do not count toward it. Last evaluated 2025-09-09.

Conditions:
Catecholaminergic polymorphic ventricular tachycardia 1. Also called: RYR2-Related Catecholaminergic Polymorphic Ventricular Tachycardia; VENTRICULAR TACHYCARDIA, CATECHOLAMINERGIC POLYMORPHIC, 1, WITH OR WITHOUT ATRIAL DYSFUNCTION AND/OR DILATED CARDIOMYOPATHY; VENTRICULAR TACHYCARDIA, STRESS-INDUCED POLYMORPHIC 1. Identifiers: Orphanet 3286, MedGen C1631597, MONDO:0011484, OMIM 604772.
Cardiomyopathy (CMYO). Also called: Cardiomyopathies. Identifiers: Orphanet 167848, MedGen C0878544, MONDO:0004994, HP:0001638. Inheritance: Various modes of inheritance.

Submissions (4):

Color Diagnostics, LLC DBA Color Health
Classification: Uncertain significance for Cardiomyopathy. Last evaluated: 2025-09-09. Review status: criteria provided, single submitter. Criteria: ACMG Guidelines, 2015. Collection method: clinical testing. Allele origin: germline.
Comment: This missense variant replaces alanine with threonine at codon 2515 of the RYR2 protein. Computational prediction suggests that this variant may have deleterious impact on protein structure and function. To our knowledge, functional studies have not been reported for this variant. This variant has been reported in an individual affected with cardiomyopathy or arrhythmia (PMID: 35947370). This variant has not been identified in the general population by the Genome Aggregation Database (gnomAD). The available evidence is insufficient to determine the role of this variant in disease conclusively. Therefore, this variant is classified as a Variant of Uncertain Significance.

Labcorp Genetics (formerly Invitae), Labcorp
Classification: Uncertain significance for Catecholaminergic polymorphic ventricular tachycardia 1. Last evaluated: 2023-07-17. Review status: criteria provided, single submitter. Criteria: Invitae Variant Classification Sherloc (09022015). Collection method: clinical testing. Allele origin: germline.
Comment: In summary, the available evidence is currently insufficient to determine the role of this variant in disease. Therefore, it has been classified as a Variant of Uncertain Significance. Advanced modeling of protein sequence and biophysical properties (such as structural, functional, and spatial information, amino acid conservation, physicochemical variation, residue mobility, and thermodynamic stability) performed at Invitae indicates that this missense variant is expected to disrupt RYR2 protein function. ClinVar contains an entry for this variant (Variation ID: 1020194). This variant has not been reported in the literature in individuals affected with RYR2-related conditions. This variant is not present in population databases (gnomAD no frequency). This sequence change replaces alanine, which is neutral and non-polar, with threonine, which is neutral and polar, at codon 2515 of the RYR2 protein (p.Ala2515Thr).

Clinical Genetics DNA and cytogenetics Diagnostics Lab, Erasmus MC, Erasmus Medical Center
Classification: Uncertain significance. Review status: no assertion criteria provided. Collection method: clinical testing. Allele origin: germline. Affected: yes. Study: VKGL Data-share Consensus. Not counted in ClinVar's aggregate classification.

Joint Genome Diagnostic Labs from Nijmegen and Maastricht, Radboudumc and MUMC+
Classification: Uncertain significance. Review status: no assertion criteria provided. Collection method: clinical testing. Allele origin: germline. Affected: yes. Study: VKGL Data-share Consensus. Not counted in ClinVar's aggregate classification.

Literature cited by the submitters: PubMed 35947370 (cited by Color Diagnostics, LLC DBA Color Health).

NM_001035.3(RYR2):c.7543G>A (p.Ala2515Thr)

Gene: RYR2 (ryanodine receptor 2; plus strand). Cytogenetic location: 1q43.
Variant type: single nucleotide variant.
Coding change: c.7543G>A on transcript NM_001035.3 (MANE Select); coding-DNA position 7543, G replaced by A.
Protein change: p.Ala2515Thr; replaces alanine 2515 with threonine.
Molecular consequence: missense variant.
Genome position (GRCh38, 1-based): chr1:237,649,907, G>A. VCF-style: chr1-237649907-G-A. GRCh37 (hg19) VCF-style: chr1-237813207-G-A.
Other names: short protein forms A2515T.
Identifiers: ClinVar variation 1020194 (VCV001020194.13), dbSNP rs1682556050, ClinGen allele CA345399044.